The following is an entry in ClinVar:

ClinVar aggregate classification (germline): Pathogenic (1 of 4 stars; one submission).

Conditions:
Primary ciliary dyskinesia. Also called: Ciliary dyskinesia. Identifiers: Orphanet 244, MedGen C0008780, MONDO:0016575, HP:0012265.

Submission:

Labcorp Genetics (formerly Invitae), Labcorp
Classification: Pathogenic for Primary ciliary dyskinesia. Last evaluated: 2024-03-09. Review status: criteria provided, single submitter. Criteria: Invitae Variant Classification Sherloc (09022015). Collection method: clinical testing. Allele origin: germline.
Comment: This sequence change creates a premature translational stop signal (p.Arg3817*) in the DNAH5 gene. It is expected to result in an absent or disrupted protein product. Loss-of-function variants in DNAH5 are known to be pathogenic (PMID: 11788826, 16627867). This variant is not present in population databases (gnomAD no frequency). This variant has not been reported in the literature in individuals affected with DNAH5-related conditions. For these reasons, this variant has been classified as Pathogenic.

Literature cited by the submitters: PubMed 11788826; PubMed 16627867.

NM_001369.3(DNAH5):c.11448_11449insT (p.Arg3817Ter)

Gene: DNAH5 (dynein axonemal heavy chain 5; minus strand). Cytogenetic location: 5p15.2.
Variant type: Insertion.
Coding change: c.11448_11449insT on transcript NM_001369.3 (MANE Select); coding-DNA positions 11448 to 11449, T inserted.
Protein change: p.Arg3817Ter; replaces arginine 3817 with a stop codon.
Molecular consequence: nonsense.
Genome position: GRCh38 VCF-style: chr5-13737258-T-TA. GRCh37 (hg19) VCF-style: chr5-13737367-T-TA.
Other names: short protein forms R3817*.
Identifiers: ClinVar variation 3645185 (VCV003645185.2).